The following is an entry in ClinVar:

NM_018026.4(PACS1):c.2039A>G (p.Tyr680Cys)

Gene: PACS1 (phosphofurin acidic cluster sorting protein 1; plus strand). Cytogenetic location: 11q13.2.
Variant type: single nucleotide variant.
Coding change: c.2039A>G on transcript NM_018026.4 (MANE Select); coding-DNA position 2039, A replaced by G.
Protein change: p.Tyr680Cys; replaces tyrosine 680 with cysteine.
Molecular consequence: missense variant.
Genome position (GRCh38, 1-based): chr11:66,234,177, A>G. VCF-style: chr11-66234177-A-G. GRCh37 (hg19) VCF-style: chr11-66001648-A-G.
Other names: short protein forms Y680C.
Identifiers: ClinVar variation 3767733 (VCV003767733.1).
Genomic context (GRCh38, chr11:66,234,177, plus strand): 5'-TTTTCCATCTACCAGGTTCTCACCCTGTGGCCAAATACTTGGGGTCAGTCGACAGTAAAT[A>G]CAGTAGTTCCTTCCTGGATTCTGGTTGGAGAGATCTGTTCAGTCGCTCGGAGCCACCAGT-3'
Protein context (NP_060496.2, residues 670-690): AKYLGSVDSK[Tyr680Cys]SSSFLDSGWR

ClinVar aggregate classification (germline): Uncertain significance (1 of 4 stars; one submission).

Submission:

GeneDx
Classification: Uncertain significance. Last evaluated: 2024-09-04. Review status: criteria provided, single submitter. Criteria: GeneDx Variant Classification Process June 2021. Collection method: clinical testing. Allele origin: germline. Affected: yes.
Comment: Not observed at significant frequency in large population cohorts (gnomAD); In silico analysis supports that this missense variant has a deleterious effect on protein structure/function; Has not been previously published as pathogenic or benign to our knowledge